The following is an entry in ClinVar:

ClinVar aggregate classification (germline): Conflicting classifications of pathogenicity. Review status: criteria provided, conflicting classifications (1 of 4 stars). 4 submissions from 4 submitters: Uncertain significance (3); Likely benign (1). Last evaluated 2024-04-16.

Conditions:
Aortic aneurysm, familial thoracic 4 (AAT4). Also called: AORTIC ANEURYSM/AORTIC DISSECTION AND PATENT DUCTUS ARTERIOSUS. Identifiers: MedGen C1851504, MONDO:0007568, OMIM 132900.
Megacystis-microcolon-intestinal hypoperistalsis syndrome 2. Identifiers: MedGen C5543476, MONDO:0025708, OMIM 619351.
Visceral myopathy 2. Identifiers: MedGen C5543466, MONDO:0859157, OMIM 619350.
Familial thoracic aortic aneurysm and aortic dissection (TAAD). Also called: Thoracic aortic aneurysms and dissections. Identifiers: Orphanet 91387, MedGen C4707243, MONDO:0019625.

Allele frequency attached by ClinVar (database versions not stated): gnomAD below 0.00001 and 0.00001; gnomAD exomes below 0.00001; TOPMed below 0.00001; ExAC 0.00001; ESP Exome Variant Server 0.00008.
gnomAD v4.1: 10 of 1,608,934 alleles (0.00062%); highest among the groups gnomAD compares: South Asian, 0.0011%; no homozygotes.

Submissions (4):

Women's Health and Genetics/Laboratory Corporation of America, LabCorp
Classification: Likely benign. Last evaluated: 2024-04-16. Review status: criteria provided, single submitter. Criteria: LabCorp Variant Classification Summary - May 2015. Collection method: clinical testing. Allele origin: germline.
Comment: Variant summary: MYH11 c.5833C>T (p.Gln1945X) results in a premature termination codon, predicted to cause a truncation of the last amino acid in the coded protein. The variant allele was found at a frequency of 6.2e-06 in 1608934 control chromosomes (gnomAD v4.0.0). The observed variant frequency is approximately 5 fold of the estimated maximal expected allele frequency for a pathogenic variant in MYH11 causing Aortopathy phenotype (1.3e-06), strongly suggesting that the variant is benign. To our knowledge, no occurrence of c.5833C>T in individuals affected with Aortopathy and no experimental evidence demonstrating its impact on protein function have been reported. ClinVar contains an entry for this variant (Variation ID: 920686). Based on the evidence outlined above, the variant was classified as likely benign.

All of Us Research Program, National Institutes of Health
Classification: Uncertain significance for Familial thoracic aortic aneurysm and aortic dissection. Last evaluated: 2023-12-18. Review status: criteria provided, single submitter. Criteria: ACMG Guidelines, 2015. Collection method: clinical testing. Allele origin: germline. Inheritance: Autosomal dominant inheritance. Observed: 2 variant alleles, 2 heterozygotes.
Comment: This variant changes 1 nucleotide in exon 42 of the MYH11 gene, creating a premature translation stop signal. This variant is expected to escape nonsense-mediated decay and be expressed as a truncated protein that 1 amino acid shorter than the normal MYH11 protein. To our knowledge, functional assays have not been performed for this variant nor has this variant been reported in individuals affected with cardiovascular disorders in the literature. This variant has been identified in 1/241712 chromosomes in the general population by the Genome Aggregation Database (gnomAD). Available evidence is insufficient to determine the role of this variant in disease conclusively. Therefore, this variant is classified as a Variant of Uncertain Significance.

This study involves interpretation of variants in research participants for the purpose of population health screening. Participant phenotype was not available at the time of variant classification. Additional details can be found in publication PMID: 35346344, PMCID: PMC8962531

Color Diagnostics, LLC DBA Color Health
Classification: Uncertain significance for Familial thoracic aortic aneurysm and aortic dissection. Last evaluated: 2023-10-19. Review status: criteria provided, single submitter. Criteria: ACMG Guidelines, 2015. Collection method: clinical testing. Allele origin: germline.
Comment: This variant changes 1 nucleotide in exon 42 of the MYH11 gene, creating a premature translation stop signal. This variant is expected to escape nonsense-mediated decay and be expressed as a truncated protein that 1 amino acid shorter than the normal MYH11 protein. To our knowledge, this variant has not been reported in individuals affected with MYH11-related disorders in the literature. This variant has been identified in 1/241712 chromosomes in the general population by the Genome Aggregation Database (gnomAD). The available evidence is insufficient to determine the role of this variant in disease conclusively. Therefore, this variant is classified as a Variant of Uncertain Significance.

Fulgent Genetics
Classification: Uncertain significance for Aortic aneurysm, familial thoracic 4; Visceral myopathy 2; Megacystis-microcolon-intestinal hypoperistalsis syndrome 2. Last evaluated: 2021-09-16. Review status: criteria provided, single submitter. Criteria: ACMG Guidelines, 2015. Collection method: clinical testing. Allele origin: unknown.

NM_001040113.2(MYH11):c.5833C>T (p.Gln1945Ter)

Genes: NDE1 (nudE neurodevelopment protein 1; plus strand), MYH11 (myosin heavy chain 11; minus strand). Cytogenetic location: 16p13.11.
Variant type: single nucleotide variant.
Coding change: c.5833C>T on transcript NM_001040113.2 (MANE Plus Clinical); coding-DNA position 5833, C replaced by T.
Protein change: p.Gln1945Ter; replaces glutamine 1945 with a stop codon.
Molecular consequence: nonsense. On other transcripts: intron variant (4).
Genome position (GRCh38, 1-based): chr16:15,708,816, G>A on the plus strand (C>T on the coding strand, the complement: MYH11 is on the minus strand). VCF-style: chr16-15708816-G-A. GRCh37 (hg19) VCF-style: chr16-15802673-G-A.
Other names: c.5812C>T, p.Gln1938Ter (NM_022844.3); c.947+11956G>A (NM_001143979.2, NM_017668.3); c.5787-4693C>T (NM_002474.3); c.5808-4693C>T (NM_001040114.2); short protein forms Q1945*, Q1938*.
Identifiers: ClinVar variation 920686 (VCV000920686.8), dbSNP rs370858630, ClinGen allele CA7921097.
Genomic context (GRCh38, chr16:15,708,816, plus strand): 5'-AATGGATACTGAGACAACACACAGCTGCGAAGCTGAAGGCATGATACCTGGTGCATCACT[G>A]CGAAGTTTCCTGTGGGGGGGGCCCTCTGAAACAGAGAGAGAATCCCCGGAGGTTACCATC-3'